The following is an entry in ClinVar:

ClinVar aggregate classification (germline): Uncertain significance (1 of 4 stars; one submission).

Conditions:
Combined immunodeficiency due to OX40 deficiency. Also called: OX40 DEFICIENCY; Immunodeficiency 16. Identifiers: Orphanet 431149, MedGen C3810053, MONDO:0014268, OMIM 615593.

Allele frequency attached by ClinVar (database versions not stated): gnomAD exomes below 0.00001 and 0.00001.
gnomAD v4.1: 3 of 1,581,708 alleles (0.00019%); highest among the groups gnomAD compares: African/African-American, 0.0027%; no homozygotes.

Submission:

Labcorp Genetics (formerly Invitae), Labcorp
Classification: Uncertain significance for Combined immunodeficiency due to OX40 deficiency. Last evaluated: 2021-07-13. Review status: criteria provided, single submitter. Criteria: Invitae Variant Classification Sherloc (09022015). Collection method: clinical testing. Allele origin: germline.
Comment: This variant has not been reported in the literature in individuals with TNFRSF4-related conditions. This sequence change replaces glycine with glutamic acid at codon 4 of the TNFRSF4 protein (p.Gly4Glu). The glycine residue is moderately conserved and there is a moderate physicochemical difference between glycine and glutamic acid. This variant is not present in population databases (ExAC no frequency). Algorithms developed to predict the effect of missense changes on protein structure and function output the following: SIFT: "Tolerated"; PolyPhen-2: "Not Available"; Align-GVGD: "Class C0". The glutamic acid amino acid residue is found in multiple mammalian species, suggesting that this missense change does not adversely affect protein function. These predictions have not been confirmed by published functional studies and their clinical significance is uncertain. In summary, the available evidence is currently insufficient to determine the role of this variant in disease. Therefore, it has been classified as a Variant of Uncertain Significance.

NM_003327.4(TNFRSF4):c.11G>A (p.Gly4Glu)

Gene: TNFRSF4 (TNF receptor superfamily member 4; minus strand). Cytogenetic location: 1p36.33.
Variant type: single nucleotide variant.
Coding change: c.11G>A on transcript NM_003327.4 (MANE Select); coding-DNA position 11, G replaced by A.
Protein change: p.Gly4Glu; replaces glycine 4 with glutamic acid.
Molecular consequence: missense variant.
Genome position (GRCh38, 1-based): chr1:1,214,117, C>T on the plus strand (G>A on the coding strand, the complement: TNFRSF4 is on the minus strand). VCF-style: chr1-1214117-C-T. GRCh37 (hg19) VCF-style: chr1-1149497-C-T.
Other names: short protein forms G4E.
Identifiers: ClinVar variation 1520910 (VCV001520910.8), dbSNP rs1295347453, ClinGen allele CA337803293.